The following is an entry in ClinVar:

ClinVar aggregate classification (germline): Conflicting classifications of pathogenicity. Review status: criteria provided, conflicting classifications (1 of 4 stars). 4 submissions from 4 submitters: Uncertain significance (1); Likely benign (3). Last evaluated 2026-08-01.

Conditions:
RYR1-related disorder. Also called: RYR1-related condition; RYR1-related disorders. Identifiers: MedGen CN239331.
Malignant hyperthermia, susceptibility to, 1 (MHS1). Also called: Malignant hyperthermia suceptibility 1; RYR1-Related Malignant Hyperthermia Susceptibility; Anesthesia related hyperthermia; Malignant hyperpyrexia; Fulminating hyperpyrexia; Pharmacogenic myopathy. Identifiers: Orphanet 423, MedGen C2930980, MONDO:0007783, OMIM 145600.

Allele frequency attached by ClinVar (database versions not stated): gnomAD 0.00005 and 0.00006; ExAC 0.00002; gnomAD exomes 0.00002 and 0.00003.
gnomAD v4.1: 48 of 1,610,778 alleles (0.003%); highest among the groups gnomAD compares: Admixed American, 0.013%; no homozygotes.

Submissions (4):

CeGaT Center for Human Genetics Tuebingen
Classification: Likely benign. Last evaluated: 2026-08-01. Review status: criteria provided, single submitter. Criteria: CeGaT Center For Human Genetics Tuebingen Variant Classification Criteria Version 2. Collection method: clinical testing. Allele origin: germline. Affected: yes. Observed: 3 variant alleles.
Comment: RYR1: BP4, BP7

Labcorp Genetics (formerly Invitae), Labcorp
Classification: Likely benign for RYR1-related disorder. Last evaluated: 2026-01-28. Review status: criteria provided, single submitter. Criteria: Invitae Variant Classification Sherloc (09022015). Collection method: clinical testing. Allele origin: germline.

Color Diagnostics, LLC DBA Color Health
Classification: Likely benign for Malignant hyperthermia, susceptibility to, 1. Last evaluated: 2022-11-06. Review status: criteria provided, single submitter. Criteria: ACMG Guidelines, 2015. Collection method: clinical testing. Allele origin: germline.

Revvity Omics, Revvity
Classification: Uncertain significance. Last evaluated: 2019-06-18. Review status: criteria provided, single submitter. Criteria: ACMG Guidelines, 2015. Collection method: clinical testing. Allele origin: germline.

NM_000540.3(RYR1):c.7839C>T (p.Tyr2613=)

Gene: RYR1 (ryanodine receptor 1; plus strand). Cytogenetic location: 19q13.2.
Variant type: single nucleotide variant.
Coding change: c.7839C>T on transcript NM_000540.3 (MANE Select); coding-DNA position 7839, C replaced by T.
Protein change: p.Tyr2613=; no amino-acid change (tyrosine 2613 retained).
Molecular consequence: synonymous variant.
Genome position (GRCh38, 1-based): chr19:38,502,883, C>T. VCF-style: chr19-38502883-C-T. GRCh37 (hg19) VCF-style: chr19-38993523-C-T.
Other names: c.7839C>T (NM_000540.2); c.7839C>T, p.Tyr2613= (NM_001042723.2).
Identifiers: ClinVar variation 1135633 (VCV001135633.17), dbSNP rs758413758, ClinGen allele CA070806.